The following is an entry in ClinVar:

NM_001329943.3(KIAA0586):c.3353del (p.Pro1118fs)

Gene: KIAA0586 (KIAA0586; plus strand). Cytogenetic location: 14q23.1.
Variant type: Deletion.
Coding change: c.3353del on transcript NM_001329943.3 (MANE Select); coding-DNA position 3353, one base deleted (C; older notation c.3353delC).
Protein change: p.Pro1118fs; shifts the reading frame from proline 1118.
Molecular consequence: frameshift variant.
Genome position (GRCh38, 1-based): chr14:58,487,935, C deleted; the last of 4 consecutive C bases (chr14:58,487,932-58,487,935); deleting any one gives the same sequence. VCF-style (leftmost placement, unchanged base first): chr14-58487931-AC-A. GRCh37 (hg19) VCF-style: chr14-58954649-AC-A.
Other names: c.3512del, p.Pro1171fs (NM_001244189.2); c.3308del, p.Pro1103fs (NM_001244190.2); c.3098del, p.Pro1033fs (NM_001244191.2, NM_001329945.2, NM_001364700.1 and 1 more transcripts); c.3221del, p.Pro1074fs (NM_001244192.2); c.2933del, p.Pro978fs (NM_001244193.2); c.3353del, p.Pro1118fs (NM_001329944.2, NM_001329946.2, NM_001329947.2); c.3125del, p.Pro1042fs (NM_014749.5); short protein forms P1118fs, P1074fs, P1171fs, P1042fs, P978fs, P1033fs, P1103fs.
Identifiers: ClinVar variation 1369714 (VCV001369714.6), dbSNP rs2141193077, ClinGen allele CA2573150071.

ClinVar aggregate classification (germline): Pathogenic (1 of 4 stars; one submission).

Conditions:
Short-rib thoracic dysplasia 14 with polydactyly (SRTD14). Identifiers: Orphanet 397715, MedGen C4225286, MONDO:0014688, OMIM 616546.
Joubert syndrome 23 (JBTS23). Identifiers: Orphanet 475, MedGen C4084822, MONDO:0014664, OMIM 616490.

Submission:

Labcorp Genetics (formerly Invitae), Labcorp
Classification: Pathogenic for Joubert syndrome 23; Short-rib thoracic dysplasia 14 with polydactyly. Last evaluated: 2022-11-15. Review status: criteria provided, single submitter. Criteria: Invitae Variant Classification Sherloc (09022015). Collection method: clinical testing. Allele origin: germline.
Comment: This sequence change creates a premature translational stop signal (p.Pro1171Leufs*24) in the KIAA0586 gene. It is expected to result in an absent or disrupted protein product. Loss-of-function variants in KIAA0586 are known to be pathogenic (PMID: 26096313, 26166481, 26386044). This variant is not present in population databases (gnomAD no frequency). This variant has not been reported in the literature in individuals affected with KIAA0586-related conditions. ClinVar contains an entry for this variant (Variation ID: 1369714). For these reasons, this variant has been classified as Pathogenic.

Literature cited by the submitters: PubMed 26096313; PubMed 26166481; PubMed 26386044.